The following is an entry in ClinVar:

ClinVar aggregate classification (germline): Conflicting classifications of pathogenicity. Review status: criteria provided, conflicting classifications (1 of 4 stars). 2 submissions from 2 submitters: Uncertain significance (1); Benign (1). Last evaluated 2025-02-16.

Conditions:
Intellectual developmental disorder with nasal speech, dysmorphic facies, and variable skeletal anomalies. Identifiers: MedGen C5231426, MONDO:0032832, OMIM 618608.

Submissions (2):

Laboratory of Genetics, Children's Clinical University Hospital Latvia
Classification: Benign. Last evaluated: 2025-02-16. Review status: criteria provided, single submitter. Criteria: ACMG Guidelines, 2015. Collection method: clinical testing. Allele origin: germline. Affected: yes.

Neuberg Centre For Genomic Medicine, NCGM
Classification: Uncertain significance for Intellectual developmental disorder with nasal speech, dysmorphic facies, and variable skeletal anomalies. Last evaluated: 2023-06-22. Review status: criteria provided, single submitter. Criteria: ACMG Guidelines, 2015. Collection method: clinical testing. Allele origin: germline. Inheritance: Autosomal dominant inheritance. Affected: yes.
Comment: The frameshift-stop retained c.1622dup(p.Ter541) variant has not been reported previously as a pathogenic variant nor as a benign variant, to our knowledge. This variant is present with an allele frequency of 0.001% in gnomAD Exomes database. This variant has not been submitted to the ClinVar database. Loss of function variants have been previously reported to be disease causing. However since this variant is present in the last exon, functional studies will be required to prove protein truncation. Hence the variant is classified as Variant of Uncertain Significance (VUS).

NM_014515.7(CNOT2):c.*23dup (p.Ter541=)

Gene: CNOT2 (CCR4-NOT transcription complex subunit 2; plus strand). Cytogenetic location: 12q15.
Variant type: Duplication.
Coding change: c.*23dup on transcript NM_014515.7 (MANE Select); 23 bases downstream of the stop codon, one base duplicated (A; older notation c.*23dupA).
Protein change: p.Ter541=.
Molecular consequence: no sequence alteration. On other transcripts: non-coding transcript variant (1).
Genome position (GRCh38, 1-based): chr12:70,353,938, A duplicated; the last of 25 consecutive A bases (chr12:70,353,914-70,353,938); duplicating any one gives the same sequence. VCF-style (leftmost placement, unchanged base first): chr12-70353913-T-TA. GRCh37 (hg19) VCF-style: chr12-70747693-T-TA.
Other names: c.*23dup, p.Ter541= (NM_001199302.2, NM_001199303.2, NM_001414651.1); c.*23dup, p.Ter538= (NM_001414652.1); c.*23dup, p.Ter532= (NM_001414653.1, NM_001414654.1, NM_001414655.1); c.*23dup, p.Ter527= (NM_001414656.1); c.*23dup, p.Ter521= (NM_001414657.1, NM_001414658.1, NM_001414659.1 and 1 more transcripts); c.*23dup, p.Ter500= (NM_001414661.1); c.*23dup, p.Ter480= (NM_001414662.1); c.1622dup (NM_014515.7).
Identifiers: ClinVar variation 3731384 (VCV003731384.2).
Genomic context (GRCh38, chr12:70,353,913, plus strand): 5'-TTAGAAGAACGGCCTCACCTGCCATCCACCTTCAACTACAACCCTGCTCAGCAAGCCTTC[T>TA]AAAAAAAAAAAAAAAAAAAAAAAAAGACTTCCCTTTTCTTGGGGTATGGCTGTCTCAGCA-3'